The following is an entry in ClinVar:

ClinVar aggregate classification (germline): Uncertain significance (1 of 4 stars; one submission).

Conditions:
Familial thoracic aortic aneurysm and aortic dissection (TAAD). Also called: Thoracic aortic aneurysms and dissections. Identifiers: Orphanet 91387, MedGen C4707243, MONDO:0019625.

Allele frequency attached by ClinVar (database versions not stated): gnomAD exomes below 0.00001.
gnomAD v4.1: 1 of 1,613,998 alleles (0.000062%); highest among the groups gnomAD compares: Non-Finnish European, 0.000085%; no homozygotes.

Submission:

All of Us Research Program, National Institutes of Health
Classification: Uncertain significance for Familial thoracic aortic aneurysm and aortic dissection. Last evaluated: 2023-04-03. Review status: criteria provided, single submitter. Criteria: ACMG Guidelines, 2015. Collection method: clinical testing. Allele origin: germline. Inheritance: Autosomal dominant inheritance. Observed: 1 variant allele, 1 heterozygote.
Comment: This missense variant replaces glutamic acid with lysine at codon 338 of the MYH11 protein. Computational prediction is inconclusive regarding the impact of this variant on protein structure and function (internally defined REVEL score threshold 0.5 < inconclusive < 0.7, PMID: 27666373). To our knowledge, functional studies have not been reported for this variant. This variant has not been reported in individuals affected with MYH11-related disorders in the literature. This variant has not been identified in the general population by the Genome Aggregation Database (gnomAD). The available evidence is insufficient to determine the role of this variant in disease conclusively. Therefore, this variant is classified as a Variant of Uncertain Significance.

This study involves interpretation of variants in research participants for the purpose of population health screening. Participant phenotype was not available at the time of variant classification. Additional details can be found in publication PMID: 35346344, PMCID: PMC8962531

NM_002474.3(MYH11):c.991G>A (p.Glu331Lys)

Gene: MYH11 (myosin heavy chain 11; minus strand). Cytogenetic location: 16p13.11.
Variant type: single nucleotide variant.
Coding change: c.991G>A on transcript NM_002474.3 (MANE Select); coding-DNA position 991, G replaced by A.
Protein change: p.Glu331Lys; replaces glutamic acid 331 with lysine.
Molecular consequence: missense variant.
Genome position (GRCh38, 1-based): chr16:15,771,611, C>T on the plus strand (G>A on the coding strand, the complement: MYH11 is on the minus strand). VCF-style: chr16-15771611-C-T. GRCh37 (hg19) VCF-style: chr16-15865468-C-T.
Other names: c.1012G>A, p.Glu338Lys (NM_001040113.2, NM_001040114.2); c.991G>A, p.Glu331Lys (NM_022844.3); short protein forms E331K, E338K.
Identifiers: ClinVar variation 3070199 (VCV003070199.1), dbSNP rs866388665, ClinGen allele CA278594244.